The following is an entry in ClinVar:

NM_000536.4(RAG2):c.859del (p.Cys287fs)

Gene: RAG2 (recombination activating 2; minus strand). Cytogenetic location: 11p12.
Variant type: Deletion.
Coding change: c.859del on transcript NM_000536.4 (MANE Select); coding-DNA position 859, one base deleted (T; older notation c.859delT).
Protein change: p.Cys287fs; shifts the reading frame from cysteine 287.
Molecular consequence: frameshift variant.
Genome position (GRCh38, 1-based): chr11:36,593,310, A deleted on the plus strand (T on the coding strand, the reverse complement: RAG2 is on the minus strand). VCF-style (leftmost placement, unchanged base first): chr11-36593309-CA-C. GRCh37 (hg19) VCF-style: chr11-36614859-CA-C.
Other names: c.859del, p.Cys287fs (NM_001243785.2, NM_001243786.2); short protein forms C287fs.
Identifiers: ClinVar variation 1452768 (VCV001452768.10), dbSNP rs754975137, ClinGen allele CA5950514.
Genomic context (GRCh38, chr11:36,593,309, plus strand): 5'-CAATCTGGGGTCTCCATCTCACGAATTTCTATCTTGTTGTCCTCTAAAGAGATGATGTTG[CA>C]GATCATTCTTTTTTGATTTTCAAGCTGATAGCCACCAACAATAACAAATTCATCATTGTT-3'

ClinVar aggregate classification (germline): Pathogenic. Review status: criteria provided, multiple submitters, no conflicts (2 of 4 stars). 3 submissions from 3 submitters: Pathogenic (3). Last evaluated 2025-03-03.

Conditions:
Recombinase activating gene 2 deficiency. Also called: RAG2 deficiency. Identifiers: MedGen CN257931, MONDO:0000573.
Severe combined immunodeficiency, autosomal recessive, T cell-negative, B cell-negative, NK cell-positive. Also called: Severe combined immunodeficiency due to complete RAG1/2 deficiency; SCID, T CELL-NEGATIVE, B CELL-NEGATIVE, NK CELL-POSITIVE; SCID, AR, T-cell negative, B-cell negative, NK cell-positive. Identifiers: Orphanet 331206, MedGen C1832322, MONDO:0011086, OMIM 601457.
Combined immunodeficiency with skin granulomas. Identifiers: Orphanet 157949, MedGen C2673536, MONDO:0009306, OMIM 233650.

Allele frequency attached by ClinVar (database versions not stated): gnomAD exomes below 0.00001 and 0.00001; TOPMed below 0.00001; gnomAD 0.00001; ExAC 0.00002.

Submissions (3):

Myriad Genetics, Inc.
Classification: Pathogenic for Recombinase activating gene 2 deficiency. Last evaluated: 2025-03-03. Review status: criteria provided, single submitter. Criteria: Myriad Autosomal Dominant, Autosomal Recessive and X-Linked Classification Criteria (2023). Collection method: clinical testing. Allele origin: unknown.
Comment: NM_001243785.1(RAG2):c.859delT(C287Afs*6) is a frameshift variant classified as pathogenic in the context of severe combined immunodeficiency, RAG2-related. C287Afs*6 has been observed in cases with relevant disease (PMID: 24144642, 17572155). Relevant functional assessments of this variant are not available in the literature. C287Afs*6 has been observed in referenced population frequency databases. In summary, NM_001243785.1(RAG2):c.859delT(C287Afs*6) is a frameshift variant in a gene where loss of function is a known mechanism of disease, is predicted to disrupt protein function, and has been observed more frequently in cases with the relevant disease than in healthy populations. Please note: this variant was assessed in the context of healthy population screening.

Baylor Genetics
Classification: Pathogenic for Combined immunodeficiency with skin granulomas. Last evaluated: 2024-03-07. Review status: criteria provided, single submitter. Criteria: ACMG Guidelines, 2015. Collection method: clinical testing. Allele origin: unknown.

Labcorp Genetics (formerly Invitae), Labcorp
Classification: Pathogenic for Combined immunodeficiency with skin granulomas; Severe combined immunodeficiency, autosomal recessive, T cell-negative, B cell-negative, NK cell-positive. Last evaluated: 2023-11-24. Review status: criteria provided, single submitter. Criteria: Invitae Variant Classification Sherloc (09022015). Collection method: clinical testing. Allele origin: germline.
Comment: This sequence change creates a premature translational stop signal (p.Cys287Alafs*6) in the RAG2 gene. While this is not anticipated to result in nonsense mediated decay, it is expected to disrupt the last 241 amino acid(s) of the RAG2 protein. This variant is present in population databases (rs754975137, gnomAD 0.007%). This premature translational stop signal has been observed in individual(s) with severe combined immunodeficiency/ Omenn syndrome (PMID: 24144642; Invitae). ClinVar contains an entry for this variant (Variation ID: 1452768). This variant disrupts the p.Trp453 amino acid residue in RAG2. Other variant(s) that disrupt this residue have been determined to be pathogenic (PMID: 10891502, 12200379, 20234091). This suggests that this residue is clinically significant, and that variants that disrupt this residue are likely to be disease-causing. For these reasons, this variant has been classified as Pathogenic.

Literature cited by the submitters: PubMed 17572155 (cited by Myriad Genetics, Inc.); PubMed 24144642 (cited by Myriad Genetics, Inc. and Labcorp Genetics (formerly Invitae), Labcorp); PubMed 10891502 (cited by Labcorp Genetics (formerly Invitae), Labcorp); PubMed 12200379 (cited by Labcorp Genetics (formerly Invitae), Labcorp); PubMed 20234091 (cited by Labcorp Genetics (formerly Invitae), Labcorp).